The following is an entry in ClinVar:

NM_000051.4(ATM):c.6821C>A (p.Ala2274Glu)

Genes: ATM (ATM serine/threonine kinase; plus strand), C11orf65 (chromosome 11 open reading frame 65; minus strand). Cytogenetic location: 11q22.3.
Variant type: single nucleotide variant.
Coding change: c.6821C>A on transcript NM_000051.4 (MANE Select); coding-DNA position 6821, C replaced by A.
Protein change: p.Ala2274Glu; replaces alanine 2274 with glutamic acid.
Molecular consequence: missense variant. On other transcripts: intron variant (2).
Genome position (GRCh38, 1-based): chr11:108,326,071, C>A. VCF-style: chr11-108326071-C-A. GRCh37 (hg19) VCF-style: chr11-108196798-C-A.
Other names: c.6821C>A, p.Ala2274Glu (NM_001351834.2); c.641-17000G>T (NM_001330368.2); c.*38+9149G>T (NM_001351110.2); short protein forms A2274E.
Identifiers: ClinVar variation 3450090 (VCV003450090.1).

ClinVar aggregate classification (germline): Uncertain significance (1 of 4 stars; one submission).

Conditions:
Hereditary cancer-predisposing syndrome. Also called: Tumor predisposition; Hereditary Cancer Syndrome; Neoplastic Syndromes, Hereditary; Hereditary neoplastic syndrome. Identifiers: Orphanet 140162, MedGen C0027672, MeSH D009386, MONDO:0015356.

Submission:

Ambry Genetics
Classification: Uncertain significance for Hereditary cancer-predisposing syndrome. Last evaluated: 2024-07-09. Review status: criteria provided, single submitter. Criteria: Ambry Variant Classification Scheme 2023. Collection method: clinical testing. Allele origin: germline.
Comment: The p.A2274E variant (also known as c.6821C>A), located in coding exon 46 of the ATM gene, results from a C to A substitution at nucleotide position 6821. The alanine at codon 2274 is replaced by glutamic acid, an amino acid with dissimilar properties. This amino acid position is conserved. In addition, this alteration is predicted to be deleterious by in silico analysis. Based on the available evidence, the clinical significance of this variant remains unclear.